The following is an entry in ClinVar:

ClinVar aggregate classification (germline): Uncertain significance (1 of 4 stars; one submission).

Allele frequency attached by ClinVar (database versions not stated): ESP Exome Variant Server 0.00008; TOPMed 0.00012; 1000 Genomes Project 30x 0.00031; 1000 Genomes Project 0.00040.
gnomAD v4.1: 42 of 1,609,520 alleles (0.0026%); highest among the groups gnomAD compares: African/African-American, 0.037%; no homozygotes.

Submission:

Labcorp Genetics (formerly Invitae), Labcorp
Classification: Uncertain significance. Last evaluated: 2025-03-03. Review status: criteria provided, single submitter. Criteria: Invitae Variant Classification Sherloc (09022015). Collection method: clinical testing. Allele origin: germline.
Comment: This sequence change replaces arginine, which is basic and polar, with histidine, which is basic and polar, at codon 279 of the CA4 protein (p.Arg279His). This variant is present in population databases (rs372344598, gnomAD 0.04%). This missense change has been observed in individual(s) with inherited retinal dystrophy (PMID: 36011402). ClinVar contains an entry for this variant (Variation ID: 1510253). Invitae Evidence Modeling of protein sequence and biophysical properties (such as structural, functional, and spatial information, amino acid conservation, physicochemical variation, residue mobility, and thermodynamic stability) indicates that this missense variant is expected to disrupt CA4 protein function with a positive predictive value of 80%. In summary, the available evidence is currently insufficient to determine the role of this variant in disease. Therefore, it has been classified as a Variant of Uncertain Significance.

Literature cited by the submitters: PubMed 36011402.

NM_000717.5(CA4):c.836G>A (p.Arg279His)

Gene: CA4 (carbonic anhydrase 4; plus strand). Cytogenetic location: 17q23.1.
Variant type: single nucleotide variant.
Coding change: c.836G>A on transcript NM_000717.5 (MANE Select); coding-DNA position 836, G replaced by A.
Protein change: p.Arg279His; replaces arginine 279 with histidine.
Molecular consequence: missense variant. On other transcripts: non-coding transcript variant (1).
Genome position (GRCh38, 1-based): chr17:60,159,321, G>A. VCF-style: chr17-60159321-G-A. GRCh37 (hg19) VCF-style: chr17-58236682-G-A.
Other names: short protein forms R279H.
Identifiers: ClinVar variation 1510253 (VCV001510253.6), dbSNP rs372344598, ClinGen allele CA8685551.
Genomic context (GRCh38, chr17:60,159,321, plus strand): 5'-ACAAGGAACAGACAGTGAGCATGAAGGACAATGTCAGGCCCCTGCAGCAGCTGGGGCAGC[G>A]CACGGTGATAAAGTCCGGGGCCCCGGGTCGGCCGCTGCCCTGGGCCCTGCCTGCCCTGCT-3'
Protein context (NP_000708.1, residues 269-289): NVRPLQQLGQ[Arg279His]TVIKSGAPGR